The following is an entry in ClinVar:

NM_000051.4(ATM):c.7453_7456dup (p.Arg2486fs)

Genes: ATM (ATM serine/threonine kinase; plus strand), C11orf65 (chromosome 11 open reading frame 65; minus strand). Cytogenetic location: 11q22.3.
Variant type: Duplication.
Coding change: c.7453_7456dup on transcript NM_000051.4 (MANE Select); coding-DNA positions 7453 to 7456, 4 bases duplicated (TTCC; older notation c.7453_7456dupTTCC).
Protein change: p.Arg2486fs; shifts the reading frame from arginine 2486.
Molecular consequence: frameshift variant. On other transcripts: intron variant (2).
Genome position (GRCh38, 1-based): chr11:108,330,359-108,330,362, TTCC duplicated. VCF-style (leftmost placement, unchanged base first): chr11-108330358-A-ATTCC. GRCh37 (hg19) VCF-style: chr11-108201085-A-ATTCC.
Other names: c.7453_7456dup, p.Arg2486fs (NM_001351834.2); c.641-21291_641-21288dup (NM_001330368.2); c.*38+4858_*38+4861dup (NM_001351110.2); short protein forms R2486fs.
Identifiers: ClinVar variation 3673148 (VCV003673148.2).

ClinVar aggregate classification (germline): Pathogenic (1 of 4 stars; one submission).

Conditions:
Ataxia-telangiectasia syndrome (AT). Also called: Ataxia-telangiectasia, complementation group D; AT, COMPLEMENTATION GROUP C; ATAXIA-TELANGIECTASIA, COMPLEMENTATION GROUP A; ATAXIA-TELANGIECTASIA, FRESNO VARIANT; Ataxia-telangiectasia; Ataxia-telangiectasia, complementation group E. Identifiers: Orphanet 100, MedGen C0004135, MONDO:0008840, OMIM 208900.

Submission:

Labcorp Genetics (formerly Invitae), Labcorp
Classification: Pathogenic for Ataxia-telangiectasia syndrome. Last evaluated: 2025-01-20. Review status: criteria provided, single submitter. Criteria: Invitae Variant Classification Sherloc (09022015). Collection method: clinical testing. Allele origin: germline.
Comment: This sequence change creates a premature translational stop signal (p.Arg2486Leufs*9) in the ATM gene. It is expected to result in an absent or disrupted protein product. Loss-of-function variants in ATM are known to be pathogenic (PMID: 23807571, 25614872). This variant is not present in population databases (gnomAD no frequency). This variant has not been reported in the literature in individuals affected with ATM-related conditions. Algorithms developed to predict the effect of sequence changes on RNA splicing suggest that this variant may disrupt the consensus splice site. For these reasons, this variant has been classified as Pathogenic.

Literature cited by the submitters: PubMed 23807571; PubMed 25614872.